The following is an entry in ClinVar:

NM_000410.4(HFE):c.755A>G (p.Glu252Gly)

Gene: HFE (homeostatic iron regulator; plus strand). Cytogenetic location: 6p22.2.
Variant type: single nucleotide variant.
Coding change: c.755A>G on transcript NM_000410.4 (MANE Select); coding-DNA position 755, A replaced by G.
Protein change: p.Glu252Gly; replaces glutamic acid 252 with glycine.
Molecular consequence: missense variant. On other transcripts: intron variant (1).
Genome position (GRCh38, 1-based): chr6:26,092,823, A>G. VCF-style: chr6-26092823-A-G. GRCh37 (hg19) VCF-style: chr6-26093051-A-G.
Other names: c.755A>G, p.Glu252Gly (NM_001300749.3, NM_001384164.1); c.746A>G, p.Glu249Gly (NM_001406751.1); c.491A>G, p.Glu164Gly (NM_001406752.1, NM_139007.3); c.437A>G, p.Glu146Gly (NM_139003.3); c.479A>G, p.Glu160Gly (NM_139004.3); c.713A>G, p.Glu238Gly (NM_139006.3); c.449A>G, p.Glu150Gly (NM_139008.3); c.686A>G, p.Glu229Gly (NM_139009.3); and 2 more; short protein forms E146G, E150G, E160G, E164G, E229G, E238G, E249G, E252G.
Identifiers: ClinVar variation 1712700 (VCV001712700.3), dbSNP rs764713081, ClinGen allele CA3666728.

ClinVar aggregate classification (germline): Uncertain significance (1 of 4 stars; one submission).

Allele frequency attached by ClinVar (database versions not stated): TOPMed 0.00005; gnomAD exomes below 0.00001; ExAC 0.00002; gnomAD 0.00006.
gnomAD v4.1: 14 of 1,614,112 alleles (0.00087%); highest among the groups gnomAD compares: African/African-American, 0.019%; no homozygotes.

Submission:

GeneDx
Classification: Uncertain significance. Last evaluated: 2025-12-19. Review status: criteria provided, single submitter. Criteria: GeneDx Variant Classification Process June 2021. Collection method: clinical testing. Allele origin: germline.
Comment: In silico analysis supports that this missense variant has a deleterious effect on protein structure/function; Has not been previously published as pathogenic or benign to our knowledge